The following is an entry in ClinVar:

ClinVar aggregate classification (germline): Likely benign (0 of 4 stars; one submission).

Conditions:
CLASP1-related disorder. Also called: CLASP1-related condition.

Allele frequency attached by ClinVar (database versions not stated): 1000 Genomes Project 30x 0.00016.
gnomAD v4.1: 391 of 683,854 alleles (0.057%); highest among the groups gnomAD compares: Middle Eastern, 0.3%; no homozygotes.

Submission:

PreventionGenetics, part of Exact Sciences
Classification: Likely benign for CLASP1-related condition. Last evaluated: 2020-08-19. Review status: no assertion criteria provided. Collection method: clinical testing. Allele origin: germline.
Comment: This variant is classified as likely benign based on ACMG/AMP sequence variant interpretation guidelines (Richards et al. 2015 PMID: 25741868, with internal and published modifications).

NM_001395891.1(CLASP1):c.196-548G>C

Genes: CLASP1 (cytoplasmic linker associated protein 1; minus strand), CLASP1-AS1 (CLASP1 antisense RNA 1; plus strand). Cytogenetic location: 2q14.2.
Variant type: single nucleotide variant.
Coding change: c.196-548G>C on transcript NM_001395891.1 (MANE Select); 548 bases into the intron before coding-DNA position 196, G replaced by C.
Molecular consequence: intron variant.
Genome position (GRCh38, 1-based): chr2:121,530,873, C>G on the plus strand (G>C on the coding strand, the complement: CLASP1 is on the minus strand). VCF-style: chr2-121530873-C-G. GRCh37 (hg19) VCF-style: chr2-122288449-C-G.
Other names: c.196-548G>C (NM_001207051.2, NM_001378005.1, NM_001142274.2 and 4 more transcripts).
Identifiers: ClinVar variation 3058046 (VCV003058046.2), dbSNP rs376053483, ClinGen allele CA1854664.
Genomic context (GRCh38, chr2:121,530,873, plus strand): 5'-GAATTAATTACCACAACCCTACCAGGTATTGGCGCTTCCTGCTTGCAGCCCAGGGACTTT[C>G]TATTATAACCATCCTTTTCTTGGGGTTGCGCTACTGTCCAATGAGCGCATAGTGAGGGCA-3'